The following is an entry in ClinVar:

ClinVar aggregate classification (germline): Uncertain significance (1 of 4 stars; one submission).

Submission:

Ambry Genetics
Classification: Uncertain significance. Last evaluated: 2025-06-19. Review status: criteria provided, single submitter. Criteria: Ambry Variant Classification Scheme 2023. Collection method: clinical testing. Allele origin: germline.
Comment: The p.M765L variant (also known as c.2293A>T), located in coding exon 22 of the KIF1B gene, results from an A to T substitution at nucleotide position 2293. The methionine at codon 765 is replaced by leucine, an amino acid with highly similar properties. This amino acid position is conserved. In addition, this alteration is predicted to be tolerated by in silico analysis. Based on the available evidence, the clinical significance of this variant remains unclear.

NM_001365951.3(KIF1B):c.2431A>T (p.Met811Leu)

Gene: KIF1B (kinesin family member 1B; plus strand). Cytogenetic location: 1p36.22.
Variant type: single nucleotide variant.
Coding change: c.2431A>T on transcript NM_001365951.3 (MANE Select); coding-DNA position 2431, A replaced by T.
Protein change: p.Met811Leu; replaces methionine 811 with leucine.
Molecular consequence: missense variant.
Genome position (GRCh38, 1-based): chr1:10,323,956, A>T. VCF-style: chr1-10323956-A-T. GRCh37 (hg19) VCF-style: chr1-10384014-A-T.
Other names: c.2431A>T, p.Met811Leu (NM_001365952.1); c.2293A>T, p.Met765Leu (NM_015074.3); short protein forms M811L, M765L.
Identifiers: ClinVar variation 4092323 (VCV004092323.1).
Genomic context (GRCh38, chr1:10,323,956, plus strand): 5'-TTTGTTCTGCTGACTGACACACTGTACTCCCCTTTGCCTCCTGAATTACTTCCCACTGAG[A>T]TGGAAAAAACTCATGAGGACAGGCCTTTCCCTCGCACAGTGGTAGCAGTAGAAGTCCAGG-3'
Protein context (NP_001352880.1, residues 801-821): PLPPELLPTE[Met811Leu]EKTHEDRPFP